The following is an entry in ClinVar:

ClinVar aggregate classification (germline): Likely pathogenic (1 of 4 stars; one submission).

Conditions:
Arginase deficiency. Also called: Arginase 1 Deficiency; ARGININEMIA; ARG1 DEFICIENCY. Identifiers: Orphanet 90, MedGen C0268548, MONDO:0008814, OMIM 207800.

Submission:

Myriad Genetics, Inc.
Classification: Likely pathogenic for Arginase deficiency. Last evaluated: 2021-12-17. Review status: criteria provided, single submitter. Criteria: Myriad Women's Health Autosomal Recessive and X-Linked Classification Criteria (2021). Collection method: clinical testing. Allele origin: unknown.
Comment: NM_000045.3(ARG1):c.637G>T(E213*) is expected to be pathogenic in the context of argininemia. This variant is predicted to lead to an abnormal or absent protein product due to the creation of a premature termination codon in ARG1, a gene where loss-of-function variants are known to be pathogenic. Please note: this variant was assessed in the context of healthy population screening.

NM_000045.4(ARG1):c.637G>T (p.Glu213Ter)

Genes: ARG1 (arginase 1; plus strand), MED23 (mediator complex subunit 23; minus strand). Cytogenetic location: 6q23.2.
Variant type: single nucleotide variant.
Coding change: c.637G>T on transcript NM_000045.4 (MANE Select); coding-DNA position 637, G replaced by T.
Protein change: p.Glu213Ter; replaces glutamic acid 213 with a stop codon.
Molecular consequence: nonsense. On other transcripts: non-coding transcript variant (1), intron variant (2).
Genome position (GRCh38, 1-based): chr6:131,583,136, G>T. VCF-style: chr6-131583136-G-T. GRCh37 (hg19) VCF-style: chr6-131904276-G-T.
Other names: c.661G>T, p.Glu221Ter (NM_001244438.2); c.382G>T, p.Glu128Ter (NM_001369020.1); c.4077+4573C>A (NM_001270521.2); c.4095+4573C>A (NM_015979.4); short protein forms E128*, E213*, E221*.
Identifiers: ClinVar variation 1726533 (VCV001726533.2), dbSNP rs2482384178, ClinGen allele CA365652200.